The following is an entry in ClinVar:

NM_004364.5(CEBPA):c.1027del (p.Arg343fs)

Gene: CEBPA (CCAAT enhancer binding protein alpha; minus strand). Cytogenetic location: 19q13.11.
Variant type: Deletion.
Coding change: c.1027del on transcript NM_004364.5 (MANE Select); coding-DNA position 1027, one base deleted (C; older notation c.1027delC).
Protein change: p.Arg343fs; shifts the reading frame from arginine 343.
Molecular consequence: frameshift variant.
Genome position (GRCh38, 1-based): chr19:33,301,388, G deleted on the plus strand (C on the coding strand, the reverse complement: CEBPA is on the minus strand); the first of 2 consecutive G bases (chr19:33,301,388-33,301,389); deleting either gives the same sequence. VCF-style (leftmost placement, unchanged base first): chr19-33301387-CG-C. GRCh37 (hg19) VCF-style: chr19-33792293-CG-C.
Other names: c.670del, p.Arg224fs (NM_001285829.2); c.1132del, p.Arg378fs (NM_001287424.2); c.985del, p.Arg329fs (NM_001287435.2); c.1026delC, p.Arg343Alafs (NM_004364.3); c.1027del (NM_004364.3); short protein forms R378fs, R224fs, R329fs, R343fs.
Identifiers: ClinVar variation 3723167 (VCV003723167.3).

ClinVar aggregate classification (germline): Uncertain significance. Review status: criteria provided, multiple submitters, no conflicts (2 of 4 stars). 2 submissions from 2 submitters: Uncertain significance (2). Last evaluated 2024-11-08.

Conditions:
Acute myeloid leukemia (AML). Also called: Acute myeloid leukemia, adult; AML adult; Acute non-lymphocytic leukemia; Acute granulocytic leukemia; Leukemia, acute myeloid, somatic; Leukemia, acute myelogenous, somatic. Identifiers: Orphanet 519, MedGen C0023467, MeSH D015470, MONDO:0018874, OMIM 601626, HP:0004808. Disease mechanism: Constitutively activated FLT3.

Submissions (2):

GeneDx
Classification: Uncertain significance. Last evaluated: 2024-11-08. Review status: criteria provided, single submitter. Criteria: GeneDx Variant Classification Process June 2021. Collection method: clinical testing. Allele origin: germline. Affected: yes.
Comment: Frameshift variant predicted to result in abnormal protein length as the last 16 amino acid(s) are replaced with 78 different amino acid(s) with an unclear effect on protein function; Has not been previously published as pathogenic or benign to our knowledge; Not observed at significant frequency in large population cohorts (gnomAD); This variant is associated with the following publications: (PMID: 21455213)

Labcorp Genetics (formerly Invitae), Labcorp
Classification: Uncertain significance for Acute myeloid leukemia. Last evaluated: 2024-10-17. Review status: criteria provided, single submitter. Criteria: Invitae Variant Classification Sherloc (09022015). Collection method: clinical testing. Allele origin: germline.
Comment: This sequence change creates a premature translational stop signal (p.Arg343Alafs*79) in the CEBPA gene. While this is not anticipated to result in nonsense mediated decay, it is expected to disrupt the last 16 amino acid(s) of the CEBPA protein. This variant is not present in population databases (gnomAD no frequency). This variant has not been reported in the literature in individuals affected with CEBPA-related conditions. In summary, the available evidence is currently insufficient to determine the role of this variant in disease. Therefore, it has been classified as a Variant of Uncertain Significance.